The following is an entry in ClinVar:

NC_000002.11:g.(?_44548485)_(44586864_?)dup

Gene: PREPL (prolyl endopeptidase like; minus strand). Cytogenetic location: 2p21.
Variant type: Duplication.
Identifiers: ClinVar variation 999902 (VCV000999902.1).

ClinVar aggregate classification (germline): Uncertain significance (1 of 4 stars; one submission).

Conditions:
Myasthenic syndrome, congenital, 22 (CMS22). Also called: PREPL DEFICIENCY. Identifiers: MedGen C4479088, MONDO:0044299, OMIM 616224.

Submission:

Labcorp Genetics (formerly Invitae), Labcorp
Classification: Uncertain significance for Myasthenic syndrome, congenital, 22. Last evaluated: 2020-06-12. Review status: criteria provided, single submitter. Criteria: Invitae Variant Classification Sherloc (09022015). Collection method: clinical testing. Allele origin: germline.
Comment: This variant results in a copy number gain of the genomic region encompassing the full coding sequence of the PREPL gene. The boundaries of this event are unknown as they extend beyond the assayed region for this gene and therefore may encompass additional genes. As the precise location of this event is unknown, it may be in tandem or it may be located elsewhere in the genome. This variant has not been reported in the literature in individuals with PREPL-related conditions. Experimental studies and prediction algorithms are not available or were not evaluated, and the functional significance of this variant is currently unknown. In summary, the available evidence is currently insufficient to determine the role of this variant in disease. Therefore, it has been classified as a Variant of Uncertain Significance.